The following is an entry in ClinVar:

NM_001372.4(DNAH9):c.12834C>T (p.Leu4278=)

Gene: DNAH9 (dynein axonemal heavy chain 9; plus strand). Cytogenetic location: 17p12.
Variant type: single nucleotide variant.
Coding change: c.12834C>T on transcript NM_001372.4 (MANE Select); coding-DNA position 12834, C replaced by T.
Protein change: p.Leu4278=; no amino-acid change (leucine 4278 retained).
Molecular consequence: synonymous variant.
Genome position (GRCh38, 1-based): chr17:11,942,476, C>T. VCF-style: chr17-11942476-C-T. GRCh37 (hg19) VCF-style: chr17-11845793-C-T.
Other names: c.1770C>T, p.Leu590= (NM_004662.2).
Identifiers: ClinVar variation 2760157 (VCV002760157.13), dbSNP rs757903592, ClinGen allele CA8398265.

ClinVar aggregate classification (germline): Benign/Likely benign. Review status: criteria provided, multiple submitters, no conflicts (2 of 4 stars). 2 submissions from 2 submitters: Benign (1); Likely benign (1). Last evaluated 2026-01-19.

Allele frequency attached by ClinVar (database versions not stated): gnomAD 0.00005; TOPMed 0.00008; ExAC 0.00017.
gnomAD v4.1: 118 of 1,613,674 alleles (0.0073%); highest among the groups gnomAD compares: Admixed American, 0.052%; 2 homozygotes.

Submissions (2):

Labcorp Genetics (formerly Invitae), Labcorp
Classification: Benign. Last evaluated: 2026-01-19. Review status: criteria provided, single submitter. Criteria: Invitae Variant Classification Sherloc (09022015). Collection method: clinical testing. Allele origin: germline.

CeGaT Center for Human Genetics Tuebingen
Classification: Likely benign. Last evaluated: 2025-04-01. Review status: criteria provided, single submitter. Criteria: CeGaT Center For Human Genetics Tuebingen Variant Classification Criteria Version 2. Collection method: clinical testing. Allele origin: germline. Affected: yes. Observed: 1 variant allele.
Comment: DNAH9: BP4, BP7